The following is an entry in ClinVar:

NM_001083962.2(TCF4):c.466C>A (p.Pro156Thr)

Gene: TCF4 (transcription factor 4; minus strand). Cytogenetic location: 18q21.2.
Variant type: single nucleotide variant.
Coding change: c.466C>A on transcript NM_001083962.2 (MANE Select); coding-DNA position 466, C replaced by A.
Protein change: p.Pro156Thr; replaces proline 156 with threonine.
Molecular consequence: missense variant.
Genome position (GRCh38, 1-based): chr18:55,350,907, G>T on the plus strand (C>A on the coding strand, the complement: TCF4 is on the minus strand). VCF-style: chr18-55350907-G-T. GRCh37 (hg19) VCF-style: chr18-53018138-G-T.
Other names: NM_001083962.2(TCF4):c.466C>A; p.Pro156Thr; c.772C>A, p.Pro258Thr (NM_001243226.3); c.394C>A, p.Pro132Thr (NM_001243227.2, NM_001306207.1, NM_001348217.1 and 9 more transcripts); c.466C>A, p.Pro156Thr (NM_001243228.2, NM_001330604.3, NM_001369567.1 and 5 more transcripts); c.460C>A, p.Pro154Thr (NM_001243230.2); c.340C>A, p.Pro114Thr (NM_001243231.2, NM_001348211.2); c.253C>A, p.Pro85Thr (NM_001243232.1, NM_001306208.1); and 3 more; short protein forms P258T, P114T, P131T, P132T, P154T, P26T, P155T, P156T.
Identifiers: ClinVar variation 664780 (VCV000664780.18), dbSNP rs200889338, ClinGen allele CA8970510.

ClinVar aggregate classification (germline): Likely benign. Review status: reviewed by expert panel (3 of 4 stars). 8 submissions from 7 submitters: Likely benign (1). 7 of the submissions do not count toward it. Last evaluated 2024-06-25.

Conditions:
Inborn genetic diseases. Identifiers: MedGen C0950123, MeSH D030342.
Pitt-Hopkins syndrome (PTHS). Also called: ENCEPHALOPATHY, SEVERE EPILEPTIC, WITH AUTONOMIC DYSFUNCTION; MENTAL RETARDATION, SYNDROMAL, WITH INTERMITTENT HYPERVENTILATION. Identifiers: Orphanet 2896, MedGen C1970431, MONDO:0012589, OMIM 610954.

Allele frequency attached by ClinVar (database versions not stated): gnomAD exomes below 0.00001; ExAC 0.00001; gnomAD 0.00003 and 0.00004; TOPMed 0.00007; 1000 Genomes Project 30x 0.00016; 1000 Genomes Project 0.00020.
gnomAD v4.1: 21 of 1,613,622 alleles (0.0013%); highest among the groups gnomAD compares: Admixed American, 0.0067%; no homozygotes.

Submissions (8):

ClinGen Rett and Angelman-like Disorders Variant Curation Expert Panel
Classification: Likely benign for Pitt-Hopkins syndrome. Last evaluated: 2024-06-25. Review status: reviewed by expert panel. Criteria: ClinGen RettAS ACMG Specifications TCF4 V3.0.0. Collection method: curation. Allele origin: germline. Inheritance: Autosomal dominant inheritance.
Comment: The highest population minor allele frequency of the p.Pro156Thr variant in TCF4 in gnomAD v4.1 is 0.000067 in the Admixed American population (not sufficient to meet BS1 criteria). The p.Pro156Thr variant is observed in at least 2 unaffected individuals (Internal database - Ambry) (BS2). Computational analysis prediction tools suggest that the p.Pro156Thr variant does not have a deleterious impact; however this information does not predict clinical significance on its own (BP4). In summary, the p.Pro156Thr variant in TCF4 is classified as likely benign based on the ACMG/AMP criteria (BS2, BP4).

Labcorp Genetics (formerly Invitae), Labcorp
Classification: Likely benign for Pitt-Hopkins syndrome. Last evaluated: 2025-09-07. Review status: criteria provided, single submitter. Criteria: Invitae Variant Classification Sherloc (09022015). Collection method: clinical testing. Allele origin: germline. Not counted in ClinVar's aggregate classification.

Blueprint Genetics
Classification: Uncertain significance. Last evaluated: 2021-12-09. Review status: criteria provided, single submitter. Criteria: ACMG Guidelines, 2015. Collection method: clinical testing. Allele origin: germline. Not counted in ClinVar's aggregate classification.

GeneDx
Classification: Likely benign. Last evaluated: 2021-04-09. Review status: criteria provided, single submitter. Criteria: GeneDx Variant Classification Process June 2021. Collection method: clinical testing. Allele origin: germline. Affected: yes. Not counted in ClinVar's aggregate classification.
Comment: In silico analysis supports that this missense variant has a deleterious effect on protein structure/function; Has not been previously published as pathogenic or benign to our knowledge; This variant is associated with the following publications: (PMID: 33414364, 26010163, 28951451)

New York Genome Center
Classification: Uncertain significance for Pitt-Hopkins syndrome. Last evaluated: 2020-05-19. Review status: criteria provided, single submitter. Criteria: NYGC Assertion Criteria 2020. Collection method: clinical testing. Allele origin: inherited. Observed: 1 heterozygote. Study: CSER-NYCKidSeq. Not counted in ClinVar's aggregate classification.

New York Genome Center
Classification: Uncertain significance for Pitt-Hopkins syndrome. Last evaluated: 2020-04-20. Review status: criteria provided, single submitter. Criteria: NYGC Assertion Criteria 2020. Collection method: clinical testing. Allele origin: inherited. Observed: 1 heterozygote. Study: CSER-NYCKidSeq. Not counted in ClinVar's aggregate classification.
Comment: The inherited c.466C>A (p.Pro156Thr) variant identified in the TCF4 gene substitutes a well conserved Proline for Threonine at amino acid 156/672(coding exon 7/20) in transcript NM_001083962.2 (also called TCF4-B+). TCF4 has multiple isoforms that differ at the N-terminal region and subcellular localization. This variant present in biologically relevant transcripts, albeit at different amino acid position relevant to the transcript in question. This variant is found with low frequency in gnomAD (1 heterozygote, 0 homozygotes; allele frequency: 3.98e-6) suggesting it is not a common benign variant in the populations represented in this database. This variant is reported in ClinVar as a Variant of Uncertain Significance (VarID: 664780). In silico predictors do not agree on the effect of this variant, as it is predicted Neutral (SIFT; score:0.058) and Damaging (Provean; score: -2.28) to the function of the canonical transcript. To our current knowledge, the p.Pro156Thr variant has not been reported in individuals with Pitt-Hopkins syndrome, however it has been reported in two brothers with schizophrenia for whom complete clinical information was not provided [PMID:26010163], and functional studies using a induced TCF4-dependent reporter transcription assay in primary neurons from rat suggest the p.Pro156Thr variant may have a mild reduction in transcriptional induction, however these studies were performed using TCF4transcript TCF4-B-(NM_003199.3) [PMID:28951451]. Given the lack of compelling evidence for its pathogenicity, the inherited c.466C>A (p.Pro156Thr) variant identified in the TCF4 gene is reported as a Variant of Uncertain Significance.

Centre for Mendelian Genomics, University Medical Centre Ljubljana
Classification: Uncertain significance for Pitt-Hopkins syndrome. Last evaluated: 2018-11-26. Review status: criteria provided, single submitter. Criteria: ACMG Guidelines, 2015. Collection method: clinical testing. Allele origin: unknown. Affected: yes. Not counted in ClinVar's aggregate classification.
Comment: This variant was classified as: Uncertain significance. The available evidence on this variant's pathogenicity is insufficient or conflicting. The following ACMG criteria were applied in classifying this variant: PP3.

Ambry Genetics
Classification: Likely benign for Inborn genetic diseases. Last evaluated: 2018-03-12. Review status: criteria provided, single submitter. Criteria: Ambry Variant Classification Scheme 2023. Collection method: clinical testing. Allele origin: germline. Not counted in ClinVar's aggregate classification.

Literature cited by the submitters: PubMed 26010163 (cited by Ambry Genetics); PubMed 28951451 (cited by Ambry Genetics).